The following is an entry in ClinVar:

ClinVar aggregate classification (germline): Pathogenic (1 of 4 stars; one submission).

Submission:

Labcorp Genetics (formerly Invitae), Labcorp
Classification: Pathogenic. Last evaluated: 2022-08-23. Review status: criteria provided, single submitter. Criteria: Invitae Variant Classification Sherloc (09022015). Collection method: clinical testing. Allele origin: germline.
Comment: For these reasons, this variant has been classified as Pathogenic. This variant has not been reported in the literature in individuals affected with AHDC1-related conditions. This variant is not present in population databases (gnomAD no frequency). This sequence change creates a premature translational stop signal (p.Val532Glyfs*7) in the AHDC1 gene. It is expected to result in an absent or disrupted protein product. Loss-of-function variants in AHDC1 are known to be pathogenic (PMID: 24791903, 27148574).

Literature cited by the submitters: PubMed 24791903; PubMed 27148574.

NM_001371928.1(AHDC1):c.1594dup (p.Val532fs)

Gene: AHDC1 (AT-hook DNA binding motif containing 1; minus strand). Cytogenetic location: 1p36.11.
Variant type: Duplication.
Coding change: c.1594dup on transcript NM_001371928.1 (MANE Select); coding-DNA position 1594, one base duplicated (G; older notation c.1594dupG).
Protein change: p.Val532fs; shifts the reading frame from valine 532.
Molecular consequence: frameshift variant.
Genome position (GRCh38, 1-based): chr1:27,550,522, C duplicated on the plus strand (G on the coding strand, the reverse complement: AHDC1 is on the minus strand). VCF-style (leftmost placement, unchanged base first): chr1-27550521-A-AC. GRCh37 (hg19) VCF-style: chr1-27877032-A-AC.
Other names: c.1594dup, p.Val532fs (NM_001029882.3); short protein forms V532fs.
Identifiers: ClinVar variation 2026535 (VCV002026535.4), dbSNP rs2522002760, ClinGen allele CA2580062674.